The following is an entry in ClinVar:

NM_002617.4(PEX10):c.431G>C (p.Trp144Ser)

Gene: PEX10 (peroxisomal biogenesis factor 10; minus strand). Cytogenetic location: 1p36.32.
Variant type: single nucleotide variant.
Coding change: c.431G>C on transcript NM_002617.4 (MANE Select); coding-DNA position 431, G replaced by C.
Protein change: p.Trp144Ser; replaces tryptophan 144 with serine.
Molecular consequence: missense variant. On other transcripts: 5 prime UTR variant (2), non-coding transcript variant (1).
Genome position (GRCh38, 1-based): chr1:2,408,621, C>G on the plus strand (G>C on the coding strand, the complement: PEX10 is on the minus strand). VCF-style: chr1-2408621-C-G. GRCh37 (hg19) VCF-style: chr1-2340060-C-G.
Other names: c.431G>C, p.Trp144Ser (NM_001374425.1, NM_153818.2); c.-2G>C (NM_001374426.1, NM_001374427.1); short protein forms W144S.
Identifiers: ClinVar variation 559057 (VCV000559057.8), dbSNP rs760785367, ClinGen allele CA538174.

ClinVar aggregate classification (germline): Uncertain significance. Review status: criteria provided, single submitter (1 of 4 stars). 2 submissions from 2 submitters: Uncertain significance (1). 1 of the submissions does not count toward it. Last evaluated 2024-02-24.

Conditions:
Peroxisome biogenesis disorder, complementation group 7 (CG7). Also called: Peroxisome biogenesis disorder, complementation group B. Identifiers: MedGen C1864399.

Allele frequency attached by ClinVar (database versions not stated): gnomAD below 0.00001 and 0.00001; gnomAD exomes 0.00002 and 0.00004; ExAC 0.00003.

Submissions (2):

Labcorp Genetics (formerly Invitae), Labcorp
Classification: Uncertain significance for Peroxisome biogenesis disorder, complementation group 7. Last evaluated: 2024-02-24. Review status: criteria provided, single submitter. Criteria: Invitae Variant Classification Sherloc (09022015). Collection method: clinical testing. Allele origin: germline.
Comment: This sequence change replaces tryptophan, which is neutral and slightly polar, with serine, which is neutral and polar, at codon 144 of the PEX10 protein (p.Trp144Ser). This variant is present in population databases (rs760785367, gnomAD 0.03%). This variant has not been reported in the literature in individuals affected with PEX10-related conditions. ClinVar contains an entry for this variant (Variation ID: 559057). An algorithm developed to predict the effect of missense changes on protein structure and function (PolyPhen-2) suggests that this variant is likely to be disruptive. In summary, the available evidence is currently insufficient to determine the role of this variant in disease. Therefore, it has been classified as a Variant of Uncertain Significance.

Mayo Clinic Laboratories, Mayo Clinic
Classification: Uncertain significance. Last evaluated: 2017-07-26. Review status: no assertion criteria provided. Collection method: clinical testing. Allele origin: unknown. Not counted in ClinVar's aggregate classification.